The following is an entry in ClinVar:

NM_001286.5(CLCN6):c.2347C>T (p.Arg783Trp)

Gene: CLCN6 (chloride voltage-gated channel 6; plus strand). Cytogenetic location: 1p36.22.
Variant type: single nucleotide variant.
Coding change: c.2347C>T on transcript NM_001286.5 (MANE Select); coding-DNA position 2347, C replaced by T.
Protein change: p.Arg783Trp; replaces arginine 783 with tryptophan.
Molecular consequence: missense variant. On other transcripts: non-coding transcript variant (1).
Genome position (GRCh38, 1-based): chr1:11,838,386, C>T. VCF-style: chr1-11838386-C-T. GRCh37 (hg19) VCF-style: chr1-11898443-C-T.
Other names: c.2281C>T, p.Arg761Trp (NM_001256959.2); short protein forms R761W, R783W.
Identifiers: ClinVar variation 1435473 (VCV001435473.6), dbSNP rs551681929, ClinGen allele CA596811.

ClinVar aggregate classification (germline): Uncertain significance (1 of 4 stars; one submission).

Allele frequency attached by ClinVar (database versions not stated): gnomAD 0.00001; gnomAD exomes 0.00002 and 0.00005; TOPMed 0.00002; ExAC 0.00004; 1000 Genomes Project 30x 0.00016; 1000 Genomes Project 0.00020.
gnomAD v4.1: 38 of 1,613,932 alleles (0.0024%); highest among the groups gnomAD compares: South Asian, 0.026%; no homozygotes.

Submission:

Labcorp Genetics (formerly Invitae), Labcorp
Classification: Uncertain significance. Last evaluated: 2022-07-05. Review status: criteria provided, single submitter. Criteria: Invitae Variant Classification Sherloc (09022015). Collection method: clinical testing. Allele origin: germline.
Comment: Algorithms developed to predict the effect of missense changes on protein structure and function (SIFT, PolyPhen-2, Align-GVGD) all suggest that this variant is likely to be disruptive. In summary, the available evidence is currently insufficient to determine the role of this variant in disease. Therefore, it has been classified as a Variant of Uncertain Significance. ClinVar contains an entry for this variant (Variation ID: 1435473). This sequence change replaces arginine, which is basic and polar, with tryptophan, which is neutral and slightly polar, at codon 783 of the CLCN6 protein (p.Arg783Trp). This variant is present in population databases (rs551681929, gnomAD 0.03%). This variant has not been reported in the literature in individuals affected with CLCN6-related conditions.